The following is an entry in ClinVar:

ClinVar aggregate classification (germline): not provided. Review status: no classification provided (0 of 4 stars). 2 submissions from 1 submitter: not provided (2).

Conditions:
Preeclampsia. Identifiers: Orphanet 275555, MedGen C0032914, MONDO:0005081, HP:0100602.
Gestational diabetes mellitus uncontrolled. Identifiers: MedGen C3532257.

Submissions (2):

Institute of Molecular and Cell Biology, University of Tartu
No classification provided. Condition: Preeclampsia. Review status: no classification provided. Collection method: case-control. Allele origin: unknown. Affected: yes. Study: Kasak2014.
Comment: The study aimed to determine the contribution of copy number variants in the genetic etiology of normal and complicated pregnancies. The samples represented (i) maternal blood DNA drawn from healthy pregnant women during 1st or 2nd trimester and (ii) maternal and paternal blood DNA drawn at term pregnancy cases representing normal and complicated gestations (severe preeclampsia, PE; gestational diabetes, GD; small-for-gestational age newborn, SGA; large-for-gestational age newborn, LGA). We performed CNV calling based on genome-wide genotyping dataset (Illumina HumanOmniExpress-24-v1 BeadChip) by applying three algorithms, QuantiSNP, GADA (Genome Alteration Detection Algorithm) and CNstream in parallel. The acquired CNV calls were merged with HD-CNV (Hotspot Detector for Copy Number Variants) program and only the CNVs predicted by at least two programs, were considered in subsequent analysis.

Institute of Molecular and Cell Biology, University of Tartu
No classification provided. Condition: Gestational diabetes mellitus uncontrolled. Review status: no classification provided. Collection method: case-control. Allele origin: unknown. Affected: yes. Study: Kasak2014.
Comment: the same text as in the submission from Institute of Molecular and Cell Biology, University of Tartu above.

Literature cited by the submitters: PubMed 25666259.

Single allele

Genes: LINC02018 (long intergenic non-protein coding RNA 2018; plus strand), LOC112935961 (Sharpr-MPRA regulatory region 2645; plus strand), LOC129937069 (ATAC-STARR-seq lymphoblastoid active region 20103; plus strand), LOC129937070 (ATAC-STARR-seq lymphoblastoid silent region 14535; plus strand), LOC129937071 (ATAC-STARR-seq lymphoblastoid active region 20104; plus strand) and 1 more. Cytogenetic location: 3p12.3.
Variant type: Deletion.
Identifiers: ClinVar variation 156868 (VCV000156868.2).